The following is an entry in ClinVar:

ClinVar aggregate classification (germline): Likely benign. Review status: criteria provided, multiple submitters, no conflicts (2 of 4 stars). 2 submissions from 2 submitters: Likely benign (2). Last evaluated 2025-12-09.

Conditions:
TRIM28-related disorder. Also called: TRIM28-related condition.

Allele frequency attached by ClinVar (database versions not stated): 1000 Genomes Project 0.00040; gnomAD 0.00084; ESP Exome Variant Server 0.00092; gnomAD exomes 0.00008; ExAC 0.00020; 1000 Genomes Project 30x 0.00031; TOPMed 0.00095.
gnomAD v4.1: 257 of 1,614,074 alleles (0.016%); highest among the groups gnomAD compares: African/African-American, 0.29%; no homozygotes.

Submissions (2):

Labcorp Genetics (formerly Invitae), Labcorp
Classification: Likely benign. Last evaluated: 2025-12-09. Review status: criteria provided, single submitter. Criteria: Invitae Variant Classification Sherloc (09022015). Collection method: clinical testing. Allele origin: germline.

PreventionGenetics, part of Exact Sciences
Classification: Likely benign for TRIM28-related condition. Last evaluated: 2025-11-07. Review status: criteria provided, single submitter. Criteria: ACMG Guidelines, 2015. Collection method: clinical testing. Allele origin: germline.
Comment: This variant is classified as likely benign based on ACMG/AMP sequence variant interpretation guidelines (Richards et al. 2015 PMID: 25741868, with internal and published modifications).

NM_005762.3(TRIM28):c.1233G>A (p.Glu411=)

Gene: TRIM28 (tripartite motif containing 28; plus strand). Cytogenetic location: 19q13.43.
Variant type: single nucleotide variant.
Coding change: c.1233G>A on transcript NM_005762.3 (MANE Select); coding-DNA position 1233, G replaced by A.
Protein change: p.Glu411=; no amino-acid change (glutamic acid 411 retained).
Molecular consequence: synonymous variant.
Genome position (GRCh38, 1-based): chr19:58,548,502, G>A. VCF-style: chr19-58548502-G-A. GRCh37 (hg19) VCF-style: chr19-59059869-G-A.
Other names: c.1233G>A (NM_005762.2).
Identifiers: ClinVar variation 2702331 (VCV002702331.4), dbSNP rs151030593, ClinGen allele CA9719173.